The following is an entry in ClinVar:

ClinVar aggregate classification (germline): Conflicting classifications of pathogenicity. Review status: criteria provided, conflicting classifications (1 of 4 stars). 2 submissions from 2 submitters: Uncertain significance (1); Likely benign (1). Last evaluated 2023-12-16.

Conditions:
Atelosteogenesis type I. Also called: SPONDYLOHUMEROFEMORAL HYPOPLASIA; Atelosteogenesis Type 1 (FLNB-AO1); GIANT CELL CHONDRODYSPLASIA. Identifiers: Orphanet 1190, MedGen C0265283, MONDO:0007167, OMIM 108720.

Allele frequency attached by ClinVar (database versions not stated): ExAC 0.00001; gnomAD 0.00001; gnomAD exomes 0.00001 and 0.00002; TOPMed 0.00003.

Submissions (2):

Labcorp Genetics (formerly Invitae), Labcorp
Classification: Likely benign. Last evaluated: 2023-12-16. Review status: criteria provided, single submitter. Criteria: Invitae Variant Classification Sherloc (09022015). Collection method: clinical testing. Allele origin: germline.

Baylor Genetics
Classification: Uncertain significance for Atelosteogenesis type I. Last evaluated: 2020-06-26. Review status: criteria provided, single submitter. Criteria: ACMG Guidelines, 2015. Collection method: clinical testing. Allele origin: paternal. Affected: yes.
Comment: This variant was determined to be of uncertain significance according to ACMG Guidelines, 2015 [PMID:25741868].

NM_001457.4(FLNB):c.3616A>G (p.Met1206Val)

Gene: FLNB (filamin B; plus strand). Cytogenetic location: 3p14.3.
Variant type: single nucleotide variant.
Coding change: c.3616A>G on transcript NM_001457.4 (MANE Select); coding-DNA position 3616, A replaced by G.
Protein change: p.Met1206Val; replaces methionine 1206 with valine.
Molecular consequence: missense variant.
Genome position (GRCh38, 1-based): chr3:58,123,582, A>G. VCF-style: chr3-58123582-A-G. GRCh37 (hg19) VCF-style: chr3-58109309-A-G.
Other names: c.3616A>G, p.Met1206Val (NM_001164317.2, NM_001164318.2, NM_001164319.2); short protein forms M1206V.
Identifiers: ClinVar variation 1030455 (VCV001030455.4), dbSNP rs756396172, ClinGen allele CA2468458.
Genomic context (GRCh38, chr3:58,123,582, plus strand): 5'-AAAGATGGCACCTACGCGGTGACCTACGTGCCCCTGACGGCCGGCATGTACACGTTGACC[A>G]TGAAGTATGGTGGCGAACTCGTGCCACACTTCCCCGCCCGGGTCAAGGTGGAGCCCGCCG-3'
Protein context (NP_001448.2, residues 1196-1216): PLTAGMYTLT[Met1206Val]KYGGELVPHF